The following is an entry in ClinVar:

ClinVar aggregate classification (germline): Likely benign. Review status: criteria provided, multiple submitters, no conflicts (2 of 4 stars). 8 submissions from 8 submitters: Likely benign (7). 1 of the submissions does not count toward it. Last evaluated 2025-09-14.

Conditions:
Loeys-Dietz syndrome 2 (LDS2). Also called: AORTIC ANEURYSM, FAMILIAL THORACIC 3; MARFAN SYNDROME, TYPE II; Marfan syndrome, type 2 (formerly); TGFBR2-Related Loeys-Dietz Syndrome; Marfan Syndrome type 2; Marfan like connective tissue disorder. Identifiers: Orphanet 284973, Orphanet 558, MedGen C2674574, MONDO:0012427, OMIM 610168.
TGFBR2-related disorder. Also called: TGFBR2-related condition.
Familial thoracic aortic aneurysm and aortic dissection (TAAD). Also called: Thoracic aortic aneurysms and dissections. Identifiers: Orphanet 91387, MedGen C4707243, MONDO:0019625.

Allele frequency attached by ClinVar (database versions not stated): gnomAD exomes 0.00001 and 0.00007; ExAC 0.00002; TOPMed 0.00003; gnomAD 0.00005; ESP Exome Variant Server 0.00008.
gnomAD v4.1: 115 of 1,614,104 alleles (0.0071%); highest among the groups gnomAD compares: Non-Finnish European, 0.0089%; no homozygotes.

Submissions (8):

Labcorp Genetics (formerly Invitae), Labcorp
Classification: Likely benign for Familial thoracic aortic aneurysm and aortic dissection. Last evaluated: 2025-09-14. Review status: criteria provided, single submitter. Criteria: Invitae Variant Classification Sherloc (09022015). Collection method: clinical testing. Allele origin: germline.

ARUP Laboratories, Molecular Genetics and Genomics, ARUP Laboratories
Classification: Likely benign. Last evaluated: 2025-04-09. Review status: criteria provided, single submitter. Criteria: ARUP Molecular Germline Variant Investigation Process 2024. Collection method: clinical testing. Allele origin: germline.

All of Us Research Program, National Institutes of Health
Classification: Likely benign for Loeys-Dietz syndrome 2. Last evaluated: 2023-11-20. Review status: criteria provided, single submitter. Criteria: ACMG Guidelines, 2015. Collection method: clinical testing. Allele origin: germline. Inheritance: Autosomal dominant inheritance. Observed: 5 variant alleles, 5 heterozygotes.
Comment: This study involves interpretation of variants in research participants for the purpose of population health screening. Participant phenotype was not available at the time of variant classification. Additional details can be found in publication PMID: 35346344, PMCID: PMC8962531

GeneDx
Classification: Likely benign. Last evaluated: 2021-06-22. Review status: criteria provided, single submitter. Criteria: GeneDx Variant Classification Process June 2021. Collection method: clinical testing. Allele origin: germline. Affected: yes.

Women's Health and Genetics/Laboratory Corporation of America, LabCorp
Classification: Likely benign. Last evaluated: 2019-10-15. Review status: criteria provided, single submitter. Criteria: LabCorp Variant Classification Summary - May 2015. Collection method: clinical testing. Allele origin: germline.

Color Diagnostics, LLC DBA Color Health
Classification: Likely benign for Familial thoracic aortic aneurysm and aortic dissection. Last evaluated: 2019-02-25. Review status: criteria provided, single submitter. Criteria: ACMG Guidelines, 2015. Collection method: clinical testing. Allele origin: germline.

Ambry Genetics
Classification: Likely benign for Familial thoracic aortic aneurysm and aortic dissection. Last evaluated: 2016-02-29. Review status: criteria provided, single submitter. Criteria: Ambry Variant Classification Scheme 2023. Collection method: clinical testing. Allele origin: germline.

PreventionGenetics, part of Exact Sciences
Classification: Likely benign for TGFBR2-related condition. Last evaluated: 2024-01-23. Review status: no assertion criteria provided. Collection method: clinical testing. Allele origin: germline. Not counted in ClinVar's aggregate classification.
Comment: This variant is classified as likely benign based on ACMG/AMP sequence variant interpretation guidelines (Richards et al. 2015 PMID: 25741868, with internal and published modifications).

NM_003242.6(TGFBR2):c.567C>T (p.Tyr189=)

Gene: TGFBR2 (transforming growth factor beta receptor 2; plus strand). Cytogenetic location: 3p24.1.
Variant type: single nucleotide variant.
Coding change: c.567C>T on transcript NM_003242.6 (MANE Select); coding-DNA position 567, C replaced by T.
Protein change: p.Tyr189=; no amino-acid change (tyrosine 189 retained).
Molecular consequence: synonymous variant. On other transcripts: intron variant (1).
Genome position (GRCh38, 1-based): chr3:30,671,750, C>T. VCF-style: chr3-30671750-C-T. GRCh37 (hg19) VCF-style: chr3-30713242-C-T.
Other names: c.642C>T, p.Tyr214= (NM_001024847.3); c.750C>T, p.Tyr250= (NM_001407126.1); c.675C>T, p.Tyr225= (NM_001407127.1); c.594C>T, p.Tyr198= (NM_001407128.1); c.570C>T, p.Tyr190= (NM_001407129.1); c.567C>T, p.Tyr189= (NM_001407130.1); c.462C>T, p.Tyr154= (NM_001407132.1, NM_001407133.1, NM_001407134.1 and 2 more transcripts); c.282C>T, p.Tyr94= (NM_001407137.1); and 2 more.
Identifiers: ClinVar variation 543909 (VCV000543909.21), dbSNP rs371221124, ClinGen allele CA049258.